The following is an entry in ClinVar:

NM_001613.4(ACTA2):c.420G>A (p.Ala140=)

Gene: ACTA2 (actin alpha 2, smooth muscle; minus strand). Cytogenetic location: 10q23.31.
Variant type: single nucleotide variant.
Coding change: c.420G>A on transcript NM_001613.4 (MANE Select); coding-DNA position 420, G replaced by A.
Protein change: p.Ala140=; no amino-acid change (alanine 140 retained).
Molecular consequence: synonymous variant.
Genome position (GRCh38, 1-based): chr10:88,941,819, C>T on the plus strand (G>A on the coding strand, the complement: ACTA2 is on the minus strand). VCF-style: chr10-88941819-C-T. GRCh37 (hg19) VCF-style: chr10-90701576-C-T.
Other names: c.420G>A, p.Ala140= (NM_001141945.3, NM_001320855.2, NM_001406462.1 and 3 more transcripts); c.309G>A, p.Ala103= (NM_001406466.1); c.291G>A, p.Ala97= (NM_001406467.1, NM_001406468.1, NM_001406469.1).
Identifiers: ClinVar variation 264091 (VCV000264091.38), dbSNP rs762567614, ClinGen allele CA028248.

ClinVar aggregate classification (germline): Benign/Likely benign. Review status: criteria provided, multiple submitters, no conflicts (2 of 4 stars). 8 submissions from 8 submitters: Benign (1); Likely benign (6). 1 of the submissions does not count toward it. Last evaluated 2025-09-01.

Conditions:
ACTA2-related disorder. Also called: ACTA2-related disorders; ACTA2-related condition.
Familial thoracic aortic aneurysm and aortic dissection (TAAD). Also called: Thoracic aortic aneurysms and dissections. Identifiers: Orphanet 91387, MedGen C4707243, MONDO:0019625.
Multisystemic smooth muscle dysfunction syndrome (SMDYS). Also called: MYDRIASIS, CONGENITAL, WITH PATENT DUCTUS ARTERIOSUS, THORACIC AORTIC ANEURYSM, AND VASCULOPATHY; SMOOTH MUSCLE DYSFUNCTION SYNDROME. Identifiers: Orphanet 404463, MedGen C3151201, MONDO:0013452, OMIM 613834.
Aortic aneurysm, familial thoracic 6 (AAT6). Also called: FAMILIAL THORACIC AORTIC ANEURYSM WITH LIVEDO RETICULARIS AND IRIS FLOCCULI. Identifiers: MedGen C2673186, MONDO:0012730, OMIM 611788.

Allele frequency attached by ClinVar (database versions not stated): gnomAD 0.00003 and 0.00004; TOPMed 0.00003; ExAC 0.00006; gnomAD exomes 0.00006.
gnomAD v4.1: 99 of 1,613,006 alleles (0.0061%); highest among the groups gnomAD compares: African/African-American, 0.015%; no homozygotes.

Submissions (8):

CeGaT Center for Human Genetics Tuebingen
Classification: Likely benign. Last evaluated: 2025-09-01. Review status: criteria provided, single submitter. Criteria: CeGaT Center For Human Genetics Tuebingen Variant Classification Criteria Version 2. Collection method: clinical testing. Allele origin: germline. Affected: yes. Observed: 2 variant alleles.
Comment: ACTA2: BP4, BP7

Labcorp Genetics (formerly Invitae), Labcorp
Classification: Likely benign for Aortic aneurysm, familial thoracic 6. Last evaluated: 2025-05-29. Review status: criteria provided, single submitter. Criteria: Invitae Variant Classification Sherloc (09022015). Collection method: clinical testing. Allele origin: germline.

ARUP Laboratories, Molecular Genetics and Genomics, ARUP Laboratories
Classification: Likely benign. Last evaluated: 2024-07-01. Review status: criteria provided, single submitter. Criteria: ARUP Molecular Germline Variant Investigation Process 2024. Collection method: clinical testing. Allele origin: germline.

All of Us Research Program, National Institutes of Health
Classification: Likely benign for Familial thoracic aortic aneurysm and aortic dissection. Last evaluated: 2023-12-13. Review status: criteria provided, single submitter. Criteria: ACMG Guidelines, 2015. Collection method: clinical testing. Allele origin: germline. Inheritance: Autosomal dominant inheritance. Observed: 10 variant alleles, 10 heterozygotes.
Comment: This study involves interpretation of variants in research participants for the purpose of population health screening. Participant phenotype was not available at the time of variant classification. Additional details can be found in publication PMID: 35346344, PMCID: PMC8962531

Ambry Genetics
Classification: Likely benign for Familial thoracic aortic aneurysm and aortic dissection. Last evaluated: 2023-11-09. Review status: criteria provided, single submitter. Criteria: Ambry Variant Classification Scheme 2023. Collection method: clinical testing. Allele origin: germline.

Color Diagnostics, LLC DBA Color Health
Classification: Likely benign for Familial thoracic aortic aneurysm and aortic dissection. Last evaluated: 2018-10-08. Review status: criteria provided, single submitter. Criteria: ACMG Guidelines, 2015. Collection method: clinical testing. Allele origin: germline.

Illumina Laboratory Services, Illumina
Classification: Benign for Multisystemic smooth muscle dysfunction syndrome. Last evaluated: 2018-01-13. Review status: criteria provided, single submitter. Criteria: ICSL Variant Classification Criteria 13 December 2019. Collection method: clinical testing. Allele origin: germline.
Comment: This variant was observed in the ICSL laboratory as part of a predisposition screen in an ostensibly healthy population. It had not been previously curated by ICSL or reported in the Human Gene Mutation Database (HGMD: prior to June 1st, 2018), and was therefore a candidate for classification through an automated scoring system. Utilizing variant allele frequency, disease prevalence and penetrance estimates, and inheritance mode, an automated score was calculated to assess if this variant is too frequent to cause the disease. Based on the score and internal cut-off values, a variant classified as benign is not then subjected to further curation. The score for this variant resulted in a classification of benign for this disease.

PreventionGenetics, part of Exact Sciences
Classification: Likely benign for ACTA2-related condition. Last evaluated: 2019-05-15. Review status: no assertion criteria provided. Collection method: clinical testing. Allele origin: germline. Not counted in ClinVar's aggregate classification.
Comment: This variant is classified as likely benign based on ACMG/AMP sequence variant interpretation guidelines (Richards et al. 2015 PMID: 25741868, with internal and published modifications).